The following is an entry in ClinVar:

NM_004960.4(FUS):c.*41G>A

Gene: FUS (FUS DNA/RNA binding protein; plus strand). Cytogenetic location: 16p11.2.
Variant type: single nucleotide variant.
Coding change: c.*41G>A on transcript NM_004960.4 (MANE Select); 41 bases downstream of the stop codon, G replaced by A.
Molecular consequence: 3 prime UTR variant. On other transcripts: non-coding transcript variant (1).
Genome position (GRCh38, 1-based): chr16:31,191,479, G>A. VCF-style: chr16-31191479-G-A. GRCh37 (hg19) VCF-style: chr16-31202800-G-A.
Other names: c.*41G>A (NM_001170634.1, NM_001170937.1).
Identifiers: ClinVar variation 318993 (VCV000318993.46), dbSNP rs80301724, ClinGen allele CA8024129.

ClinVar aggregate classification (germline): Benign/Likely benign. Review status: criteria provided, multiple submitters, no conflicts (2 of 4 stars). 6 submissions from 6 submitters: Benign (3); Likely benign (3). Last evaluated 2026-10-01.

Conditions:
Amyotrophic lateral sclerosis type 6. Also called: AMYOTROPHIC LATERAL SCLEROSIS 6 WITHOUT FRONTOTEMPORAL DEMENTIA; Amyotrophic lateral sclerosis 6, with or without frontotemporal dementia; FUS-Related Amyotrophic Laterial Sclerosis. Identifiers: Orphanet 275872, Orphanet 803, MedGen C2931786, MONDO:0011951, OMIM 608030.
Tremor, hereditary essential, 4 (ETM4). Identifiers: MedGen C3539195, MONDO:0013888, OMIM 614782.

Allele frequency attached by ClinVar (database versions not stated): 1000 Genomes Project 0.00439; ESP Exome Variant Server 0.00439; 1000 Genomes Project 30x 0.00500; gnomAD 0.00551 and 0.00565; TOPMed 0.00604; gnomAD exomes 0.00669 and 0.00718; ExAC 0.00691.

Submissions (6):

CeGaT Center for Human Genetics Tuebingen
Classification: Benign. Last evaluated: 2026-10-01. Review status: criteria provided, single submitter. Criteria: CeGaT Center For Human Genetics Tuebingen Variant Classification Criteria Version 2. Collection method: clinical testing. Allele origin: germline. Affected: yes. Observed: 40 variant alleles.
Comment: FUS: BS1, BS2

Labcorp Genetics (formerly Invitae), Labcorp
Classification: Benign for Tremor, hereditary essential, 4; Amyotrophic lateral sclerosis type 6. Last evaluated: 2024-10-15. Review status: criteria provided, single submitter. Criteria: Invitae Variant Classification Sherloc (09022015). Collection method: clinical testing. Allele origin: germline.

Mendelics
Classification: Benign for Amyotrophic lateral sclerosis type 6. Last evaluated: 2019-05-28. Review status: criteria provided, single submitter. Criteria: Mendelics Assertion Criteria 2017. Collection method: clinical testing. Allele origin: unknown.

Illumina Laboratory Services, Illumina
Classification: Likely benign for Amyotrophic lateral sclerosis type 6. Last evaluated: 2017-04-27. Review status: criteria provided, single submitter. Criteria: ICSL Variant Classification Criteria 13 December 2019. Collection method: clinical testing. Allele origin: germline.
Comment: This variant was observed as part of a predisposition screen in an ostensibly healthy population. A literature search was performed for the gene, cDNA change, and amino acid change (where applicable). Publications were found based on this search. The evidence from the literature, in combination with allele frequency data from public databases where available, was sufficient to determine this variant is unlikely to cause disease. Therefore, this variant is classified as likely benign.

Laboratory for Molecular Medicine, Mass General Brigham Personalized Medicine
Classification: Likely benign. Last evaluated: 2016-03-29. Review status: criteria provided, single submitter. Criteria: LMM Criteria. Collection method: clinical testing. Allele origin: germline.
Comment: Variant identified in a genome or exome case(s) and assessed due to predicted null impact of the variant or pathogenic assertions in the literature or databases. Disclaimer: This variant has not undergone full assessment. The following are preliminary notes: frequency

Breakthrough Genomics
Classification: Likely benign. Review status: criteria provided, single submitter. Criteria: ACMG Guidelines, 2015. Collection method: not provided. Allele origin: germline. Inheritance: Autosomal dominant inheritance. Affected: yes.

Literature cited by the submitters: PubMed 22292843 (cited by Illumina Laboratory Services, Illumina).